The following is an entry in ClinVar:

NM_003998.4(NFKB1):c.2870A>G (p.His957Arg)

Gene: NFKB1 (nuclear factor kappa B subunit 1; plus strand). Cytogenetic location: 4q24.
Variant type: single nucleotide variant.
Coding change: c.2870A>G on transcript NM_003998.4 (MANE Select); coding-DNA position 2870, A replaced by G.
Protein change: p.His957Arg; replaces histidine 957 with arginine.
Molecular consequence: missense variant.
Genome position (GRCh38, 1-based): chr4:102,616,554, A>G. VCF-style: chr4-102616554-A-G. GRCh37 (hg19) VCF-style: chr4-103537711-A-G.
Other names: c.2867A>G, p.His956Arg (NM_001165412.2, NM_001319226.2, NM_001382627.1); c.2870A>G, p.His957Arg (NM_001382625.1, NM_001382626.1); c.2828A>G, p.His943Arg (NM_001382628.1); short protein forms H943R, H957R, H956R.
Identifiers: ClinVar variation 3718891 (VCV003718891.2).

ClinVar aggregate classification (germline): Uncertain significance (1 of 4 stars; one submission).

gnomAD v4.1: 11 of 1,614,004 alleles (0.00068%); highest among the groups gnomAD compares: Non-Finnish European, 0.00085%; no homozygotes.

Submission:

Labcorp Genetics (formerly Invitae), Labcorp
Classification: Uncertain significance. Last evaluated: 2024-02-20. Review status: criteria provided, single submitter. Criteria: Invitae Variant Classification Sherloc (09022015). Collection method: clinical testing. Allele origin: germline.
Comment: This sequence change replaces histidine, which is basic and polar, with arginine, which is basic and polar, at codon 957 of the NFKB1 protein (p.His957Arg). This variant is not present in population databases (gnomAD no frequency). This variant has not been reported in the literature in individuals affected with NFKB1-related conditions. Algorithms developed to predict the effect of missense changes on protein structure and function output the following: SIFT: "Not Available"; PolyPhen-2: "Benign"; Align-GVGD: "Not Available". The arginine amino acid residue is found in multiple mammalian species, which suggests that this missense change does not adversely affect protein function. In summary, the available evidence is currently insufficient to determine the role of this variant in disease. Therefore, it has been classified as a Variant of Uncertain Significance.